The following is an entry in ClinVar:

ClinVar aggregate classification (germline): Uncertain significance (1 of 4 stars; one submission).

Conditions:
Cardiovascular phenotype. Identifiers: MedGen CN230736.
Hereditary cancer-predisposing syndrome. Also called: Neoplastic Syndromes, Hereditary; Tumor predisposition; Hereditary Cancer Syndrome; Hereditary neoplastic syndrome. Identifiers: Orphanet 140162, MedGen C0027672, MeSH D009386, MONDO:0015356.

Submission:

Ambry Genetics
Classification: Uncertain significance for Cardiovascular phenotype; Hereditary cancer-predisposing syndrome. Last evaluated: 2022-04-03. Review status: criteria provided, single submitter. Criteria: Ambry Variant Classification Scheme 2023. Collection method: clinical testing. Allele origin: germline.
Comment: The p.S413G variant (also known as c.1237A>G), located in coding exon 11 of the LZTR1 gene, results from an A to G substitution at nucleotide position 1237. The serine at codon 413 is replaced by glycine, an amino acid with similar properties. This amino acid position is conserved. In addition, this alteration is predicted to be tolerated by in silico analysis. Since supporting evidence is limited at this time, the clinical significance of this alteration remains unclear.

NM_006767.4(LZTR1):c.1237A>G (p.Ser413Gly)

Gene: LZTR1 (leucine zipper like post translational regulator 1; plus strand). Cytogenetic location: 22q11.21.
Variant type: single nucleotide variant.
Coding change: c.1237A>G on transcript NM_006767.4 (MANE Select); coding-DNA position 1237, A replaced by G.
Protein change: p.Ser413Gly; replaces serine 413 with glycine.
Molecular consequence: missense variant.
Genome position (GRCh38, 1-based): chr22:20,992,881, A>G. VCF-style: chr22-20992881-A-G. GRCh37 (hg19) VCF-style: chr22-21347170-A-G.
Other names: short protein forms S413G.
Identifiers: ClinVar variation 1757137 (VCV001757137.2), dbSNP rs771277433, ClinGen allele CA410774045.